The following is an entry in ClinVar:

ClinVar aggregate classification (germline): Uncertain significance (1 of 4 stars; one submission).

Conditions:
Anterior segment dysgenesis 3 (ASGD3). Also called: IRIDOGONIODYSGENESIS ANOMALY, AUTOSOMAL DOMINANT; Glaucoma iridogoniodysplasia, familial. Identifiers: Orphanet 91483, MedGen C5975707, MONDO:0024456, OMIM 601631.

Submission:

3billion
Classification: Uncertain significance for Anterior segment dysgenesis 3. Last evaluated: 2022-05-22. Review status: criteria provided, single submitter. Criteria: ACMG Guidelines, 2015. Collection method: clinical testing. Allele origin: germline. Affected: yes. Observed: 1 heterozygote.
Comment: The variant is not observed in the gnomAD v2.1.1 dataset. Inframe deletion located in a nonrepeat region: predicted to change the length of the protein and disrupt normal protein function. Therefore, this variant is classified as uncertain significanceaccording to the recommendation of ACMG/AMP guideline.

NM_001453.3(FOXC1):c.241_243del (p.Tyr81del)

Genes: FOXC1 (forkhead box C1; plus strand), LOC129995601 (ATAC-STARR-seq lymphoblastoid active region 23864; plus strand). Cytogenetic location: 6p25.3.
Variant type: Deletion.
Coding change: c.241_243del on transcript NM_001453.3 (MANE Select); coding-DNA positions 241 to 243, 3 bases deleted (TAT; older notation c.241_243delTAT).
Protein change: p.Tyr81del; deletes tyrosine 81.
Molecular consequence: inframe deletion.
Genome position (GRCh38, 1-based): chr6:1,610,686-1,610,688, TAT deleted. VCF-style (leftmost placement, unchanged base first): chr6-1610685-CTAT-C. GRCh37 (hg19) VCF-style: chr6-1610920-CTAT-C.
Other names: short protein forms Y81del.
Identifiers: ClinVar variation 1687309 (VCV001687309.1), dbSNP rs2113111273, ClinGen allele CA2573140133.
Genomic context (GRCh38, chr6:1,610,685, plus strand): 5'-GGCCCGCGCCTACGGGCCCTACACGCCGCAGCCGCAGCCCAAGGACATGGTGAAGCCGCC[CTAT>C]AGCTACATCGCGCTCATCACCATGGCCATCCAGAACGCCCCGGACAAGAAGATCACCCTG-3'